The following is an entry in ClinVar:

NM_000260.4(MYO7A):c.5842A>T (p.Lys1948Ter)

Gene: MYO7A (myosin VIIA; plus strand). Cytogenetic location: 11q13.5.
Variant type: single nucleotide variant.
Coding change: c.5842A>T on transcript NM_000260.4 (MANE Select); coding-DNA position 5842, A replaced by T.
Protein change: p.Lys1948Ter; replaces lysine 1948 with a stop codon.
Molecular consequence: nonsense.
Genome position (GRCh38, 1-based): chr11:77,207,388, A>T. VCF-style: chr11-77207388-A-T. GRCh37 (hg19) VCF-style: chr11-76918433-A-T.
Other names: c.5728A>T, p.Lys1910Ter (NM_001127180.2); c.5695A>T, p.Lys1899Ter (NM_001369365.1); short protein forms K1899*, K1910*, K1948*.
Identifiers: ClinVar variation 983823 (VCV000983823.3), dbSNP rs1957520697, ClinGen allele CA381954132.

ClinVar aggregate classification (germline): Likely pathogenic (1 of 4 stars; one submission).

Conditions:
Usher syndrome type 1 (USH1). Also called: RETINITIS PIGMENTOSA AND CONGENITAL DEAFNESS. Identifiers: Orphanet 231169, Orphanet 886, MedGen C1568247, MONDO:0010168, OMIM 276900.

Submission:

Myriad Genetics, Inc.
Classification: Likely pathogenic for Usher syndrome type 1. Last evaluated: 2019-12-10. Review status: criteria provided, single submitter. Criteria: Myriad Women's Health Autosomal Recessive and X-Linked Classification Criteria (2019). Collection method: clinical testing. Allele origin: unknown.
Comment: NM_000260.3(MYO7A):c.5842A>T(K1948*) is expected to be pathogenic in the context of MYO7A-related disorders. This variant is predicted to lead to an abnormal or absent protein product due to the creation of a premature termination codon in MYO7A, a gene where loss-of-function variants are known to be pathogenic. Please note: this variant was assessed in the context of healthy population screening.